The following is an entry in ClinVar:

NM_177438.3(DICER1):c.2460_2465del (p.Arg821_Ser822del)

Gene: DICER1 (dicer 1, ribonuclease III; minus strand). Cytogenetic location: 14q32.13.
Variant type: Deletion.
Coding change: c.2460_2465del on transcript NM_177438.3 (MANE Select); coding-DNA positions 2460 to 2465, 6 bases deleted (ACGCTC; older notation c.2460_2465delACGCTC).
Protein change: p.Arg821_Ser822del.
Molecular consequence: inframe deletion.
Genome position (GRCh38, 1-based): chr14:95,108,065-95,108,070, GAGCGT deleted on the plus strand (ACGCTC on the coding strand, the reverse complement: DICER1 is on the minus strand); deleting any 6 consecutive bases within chr14:95,108,065-95,108,071 gives the same sequence; the c. name uses the placement nearest the transcript's 3' end. VCF-style (leftmost placement, unchanged base first): chr14-95108064-AGAGCGT-A. GRCh37 (hg19) VCF-style: chr14-95574401-AGAGCGT-A.
Other names: c.2460_2465del, p.Arg821_Ser822del (NM_001195573.1, NM_001271282.3, NM_001291628.2 and 1 more transcripts).
Identifiers: ClinVar variation 933018 (VCV000933018.3), dbSNP rs1891610973, ClinGen allele CA1139663656.

ClinVar aggregate classification (germline): Pathogenic (1 of 4 stars; one submission).

Conditions:
DICER1-related tumor predisposition. Also called: DICER1-related pleuropulmonary blastoma cancer predisposition syndrome; DICER1 syndrome. Identifiers: Orphanet 284343, MedGen C3839822, MONDO:0100216.

Submission:

Foulkes Cancer Genetics LDI, Lady Davis Institute for Medical Research
Classification: Pathogenic for Pleuropulmonary blastoma. Last evaluated: 2019-07-01. Review status: criteria provided, single submitter. Criteria: ACMG Guidelines, 2015. Collection method: curation. Allele origin: somatic. Affected: yes. Observed: 1 variant allele.
Comment: ACMG criteria met: PVS1, PM1, PM2

Literature cited by the submitters: PubMed 30266945.